The following is an entry in ClinVar:

ClinVar aggregate classification (germline): Uncertain significance (1 of 4 stars; one submission).

Conditions:
Maple syrup urine disease, mild variant (MSUDMV). Identifiers: Orphanet 511, MedGen C3554575, MONDO:0014057, OMIM 615135.

Allele frequency attached by ClinVar (database versions not stated): gnomAD 0.00001; gnomAD exomes 0.00001.
gnomAD v4.1: 4 of 1,613,858 alleles (0.00025%); highest among the groups gnomAD compares: Non-Finnish European, 0.00034%; no homozygotes.

Submission:

Labcorp Genetics (formerly Invitae), Labcorp
Classification: Uncertain significance for Maple syrup urine disease, mild variant. Last evaluated: 2023-10-17. Review status: criteria provided, single submitter. Criteria: Invitae Variant Classification Sherloc (09022015). Collection method: clinical testing. Allele origin: germline.
Comment: This sequence change replaces threonine, which is neutral and polar, with isoleucine, which is neutral and non-polar, at codon 227 of the PPM1K protein (p.Thr227Ile). This variant is not present in population databases (gnomAD no frequency). This variant has not been reported in the literature in individuals affected with PPM1K-related conditions. An algorithm developed to predict the effect of missense changes on protein structure and function (PolyPhen-2) suggests that this variant is likely to be disruptive. In summary, the available evidence is currently insufficient to determine the role of this variant in disease. Therefore, it has been classified as a Variant of Uncertain Significance.

NM_152542.5(PPM1K):c.680C>T (p.Thr227Ile)

Gene: PPM1K (protein phosphatase, Mg2+/Mn2+ dependent 1K; minus strand). Cytogenetic location: 4q22.1.
Variant type: single nucleotide variant.
Coding change: c.680C>T on transcript NM_152542.5 (MANE Select); coding-DNA position 680, C replaced by T.
Protein change: p.Thr227Ile; replaces threonine 227 with isoleucine.
Molecular consequence: missense variant.
Genome position (GRCh38, 1-based): chr4:88,268,768, G>A on the plus strand (C>T on the coding strand, the complement: PPM1K is on the minus strand). VCF-style: chr4-88268768-G-A. GRCh37 (hg19) VCF-style: chr4-89189920-G-A.
Other names: short protein forms T227I.
Identifiers: ClinVar variation 2881512 (VCV002881512.3), dbSNP rs1449230451, ClinGen allele CA357706386.